The following is an entry in ClinVar:

NM_000256.3(MYBPC3):c.768C>A (p.Val256=)

Gene: MYBPC3 (myosin binding protein C3; minus strand). Cytogenetic location: 11p11.2.
Variant type: single nucleotide variant.
Coding change: c.768C>A on transcript NM_000256.3 (MANE Select); coding-DNA position 768, C replaced by A.
Protein change: p.Val256=; no amino-acid change (valine 256 retained).
Molecular consequence: synonymous variant.
Genome position (GRCh38, 1-based): chr11:47,348,428, G>T on the plus strand (C>A on the coding strand, the complement: MYBPC3 is on the minus strand). VCF-style: chr11-47348428-G-T. GRCh37 (hg19) VCF-style: chr11-47369979-G-T.
Other names: c.768C>A, p.Val256= (LRG_386t1).
Identifiers: ClinVar variation 304962 (VCV000304962.15), dbSNP rs886048382, ClinGen allele CA10639340.
Genomic context (GRCh38, chr11:47,348,428, plus strand): 5'-GGAGACCAGGACCCATGGGGAGCCCGAGCCCAGGACAGACACCAGGGCCCCCTCACCGTG[G>T]ACAGTGAGATTGAAGTTGGAGCAGTCAAATTTGTCCTTGGTGGACACCTCACAGCGGTAG-3'
Protein context (NP_000247.2, residues 246-266): KFDCSNFNLT[Val256=]HEAMGTGDLD

ClinVar aggregate classification (germline): Conflicting classifications of pathogenicity. Review status: criteria provided, conflicting classifications (1 of 4 stars). 5 submissions from 4 submitters: Uncertain significance (2); Likely benign (3). Last evaluated 2025-06-02.

Conditions:
Left ventricular noncompaction 10 (LVNC10). Identifiers: Orphanet 154, Orphanet 54260, MedGen C3715165, MONDO:0014163, OMIM 615396.
Hypertrophic cardiomyopathy. Also called: HYPERTROPHIC MYOCARDIOPATHY. Identifiers: Orphanet 217569, MedGen C0007194, MeSH D002312, MONDO:0005045, HP:0001639.
Cardiomyopathy (CMYO). Also called: Cardiomyopathies. Identifiers: Orphanet 167848, MedGen C0878544, MONDO:0004994, HP:0001638. Inheritance: Various modes of inheritance.
Hypertrophic cardiomyopathy 4. Also called: Familial hypertrophic cardiomyopathy 4. Identifiers: MedGen C1861862, MONDO:0007268, OMIM 115197.

Allele frequency attached by ClinVar (database versions not stated): gnomAD exomes below 0.00001.
gnomAD v4.1: 1 of 1,607,346 alleles (0.000062%); highest among the groups gnomAD compares: African/African-American, 0.0013%; no homozygotes.

Submissions (5):

Labcorp Genetics (formerly Invitae), Labcorp
Classification: Likely benign for Hypertrophic cardiomyopathy. Last evaluated: 2025-06-02. Review status: criteria provided, single submitter. Criteria: Invitae Variant Classification Sherloc (09022015). Collection method: clinical testing. Allele origin: germline.

All of Us Research Program, National Institutes of Health
Classification: Likely benign for Hypertrophic cardiomyopathy. Last evaluated: 2023-11-30. Review status: criteria provided, single submitter. Criteria: ACMG Guidelines, 2015. Collection method: clinical testing. Allele origin: germline. Inheritance: Autosomal dominant inheritance. Observed: 2 variant alleles, 2 heterozygotes.
Comment: This study involves interpretation of variants in research participants for the purpose of population health screening. Participant phenotype was not available at the time of variant classification. Additional details can be found in publication PMID: 35346344, PMCID: PMC8962531

Color Diagnostics, LLC DBA Color Health
Classification: Likely benign for Cardiomyopathy. Last evaluated: 2023-09-13. Review status: criteria provided, single submitter. Criteria: ACMG Guidelines, 2015. Collection method: clinical testing. Allele origin: germline.

Illumina Laboratory Services, Illumina
Classification: Uncertain significance for Left ventricular noncompaction 10. Last evaluated: 2018-01-13. Review status: criteria provided, single submitter. Criteria: ICSL Variant Classification Criteria 13 December 2019. Collection method: clinical testing. Allele origin: germline.

Illumina Laboratory Services, Illumina
Classification: Uncertain significance for Hypertrophic cardiomyopathy 4. Last evaluated: 2018-01-13. Review status: criteria provided, single submitter. Criteria: ICSL Variant Classification Criteria 13 December 2019. Collection method: clinical testing. Allele origin: germline.